The following is an entry in ClinVar:

ClinVar aggregate classification (germline): Uncertain significance. Review status: criteria provided, multiple submitters, no conflicts (2 of 4 stars). 2 submissions from 2 submitters: Uncertain significance (2). Last evaluated 2024-07-29.

Conditions:
Inborn genetic diseases. Identifiers: MedGen C0950123, MeSH D030342.

Allele frequency attached by ClinVar (database versions not stated): ExAC 0.00001; gnomAD 0.00004; ESP Exome Variant Server 0.00015.

Submissions (2):

Labcorp Genetics (formerly Invitae), Labcorp
Classification: Uncertain significance. Last evaluated: 2024-07-29. Review status: criteria provided, single submitter. Criteria: Invitae Variant Classification Sherloc (09022015). Collection method: clinical testing. Allele origin: germline.
Comment: This sequence change replaces glutamic acid, which is acidic and polar, with alanine, which is neutral and non-polar, at codon 389 of the HPS6 protein (p.Glu389Ala). This variant is present in population databases (rs377250561, gnomAD 0.02%). This variant has not been reported in the literature in individuals affected with HPS6-related conditions. ClinVar contains an entry for this variant (Variation ID: 1987794). Advanced modeling of protein sequence and biophysical properties (such as structural, functional, and spatial information, amino acid conservation, physicochemical variation, residue mobility, and thermodynamic stability) performed at Invitae indicates that this missense variant is not expected to disrupt HPS6 protein function with a negative predictive value of 80%. In summary, the available evidence is currently insufficient to determine the role of this variant in disease. Therefore, it has been classified as a Variant of Uncertain Significance.

Ambry Genetics
Classification: Uncertain significance for Inborn genetic diseases. Last evaluated: 2024-03-25. Review status: criteria provided, single submitter. Criteria: Ambry Variant Classification Scheme 2023. Collection method: clinical testing. Allele origin: germline.

NM_024747.6(HPS6):c.1166A>C (p.Glu389Ala)

Gene: HPS6 (HPS6 biogenesis of lysosomal organelles complex 2 subunit 3; plus strand). Cytogenetic location: 10q24.32.
Variant type: single nucleotide variant.
Coding change: c.1166A>C on transcript NM_024747.6 (MANE Select); coding-DNA position 1166, A replaced by C.
Protein change: p.Glu389Ala; replaces glutamic acid 389 with alanine.
Molecular consequence: missense variant.
Genome position (GRCh38, 1-based): chr10:102,066,640, A>C. VCF-style: chr10-102066640-A-C. GRCh37 (hg19) VCF-style: chr10-103826397-A-C.
Other names: short protein forms E389A.
Identifiers: ClinVar variation 1987794 (VCV001987794.3), dbSNP rs377250561, ClinGen allele CA5659932.